The following is an entry in ClinVar:

NM_020975.6(RET):c.1253G>C (p.Arg418Pro)

Gene: RET (ret proto-oncogene; plus strand). Cytogenetic location: 10q11.21.
Variant type: single nucleotide variant.
Coding change: c.1253G>C on transcript NM_020975.6 (MANE Select); coding-DNA position 1253, G replaced by C.
Protein change: p.Arg418Pro; replaces arginine 418 with proline.
Molecular consequence: missense variant.
Genome position (GRCh38, 1-based): chr10:43,109,220, G>C. VCF-style: chr10-43109220-G-C. GRCh37 (hg19) VCF-style: chr10-43604668-G-C.
Other names: c.1253G>C, p.Arg418Pro (NM_001406760.1, NM_001406763.1, NM_001406765.1 and 6 more transcripts); c.1124G>C, p.Arg375Pro (NM_001406761.1, NM_001406762.1, NM_001406764.1 and 1 more transcripts); c.965G>C, p.Arg322Pro (NM_001406766.1, NM_001406767.1, NM_001406770.1); c.491G>C, p.Arg164Pro (NM_001355216.2); c.815G>C, p.Arg272Pro (NM_001406771.1, NM_001406773.1); c.527G>C, p.Arg176Pro (NM_001406775.1, NM_001406776.1, NM_001406777.1 and 1 more transcripts); c.263G>C, p.Arg88Pro (NM_001406784.1); short protein forms R418P, R164P, R272P, R88P, R176P, R322P, R375P.
Identifiers: ClinVar variation 219396 (VCV000219396.20), dbSNP rs371731991, ClinGen allele CA349205.
Genomic context (GRCh38, chr10:43,109,220, plus strand): 5'-TGCCGGTCAGCCTGCACCTGCCCAGTACCTACTCCCTCTCCGTGAGCAGGAGGGCTCGCC[G>C]ATTTGCCCAGGTGAGCCCATACCTATTGCCTGTCTGGGGAAGATTGAAAGGCCAAGGGAC-3'
Protein context (NP_066124.1, residues 408-428): YSLSVSRRAR[Arg418Pro]FAQIGKVCVE

ClinVar aggregate classification (germline): Uncertain significance. Review status: criteria provided, multiple submitters, no conflicts (2 of 4 stars). 5 submissions from 5 submitters: Uncertain significance (5). Last evaluated 2025-12-05.

Conditions:
Pheochromocytoma. Also called: MAX-Related Hereditary Paraganglioma-Pheochromocytoma Syndrome. Identifiers: Orphanet 29072, MedGen C0031511, MONDO:0008233, OMIM 171300, HP:0002666.
Hirschsprung disease, susceptibility to, 1 (HSCR1). Also called: RET-Related Hirschsprung Disease. Identifiers: Orphanet 388, MedGen C3888239, MONDO:0007723, OMIM 142623.
Familial medullary thyroid carcinoma (MTC). Also called: Thyroid cancer, familial medullary; MTC, familial; Familial Medullary Thyroid Carcinoma (FMTC). Identifiers: Orphanet 653, Orphanet 99361, MedGen C1833921, MONDO:0007958, OMIM 155240.
Multiple endocrine neoplasia type 2B. Also called: WAGENMANN-FROBOESE SYNDROME; MULTIPLE ENDOCRINE NEOPLASIA, TYPE III; MEN 2B; MUCOSAL NEUROMA SYNDROME; MULTIPLE ENDOCRINE NEOPLASIA, TYPE IIB; MEN IIB. Identifiers: Orphanet 247709, Orphanet 653, MedGen C0025269, MeSH D018814, MONDO:0008082, OMIM 162300.
Multiple endocrine neoplasia type 2A. Also called: MULTIPLE ENDOCRINE NEOPLASIA, TYPE IIA; PTC SYNDROME; SIPPLE SYNDROME; MEN 2A; MEN-2A syndrome; Pheochromocytoma and amyloid producing medullary thyroid carcinoma. Identifiers: Orphanet 247698, Orphanet 653, MedGen C0025268, MeSH D018813, MONDO:0008234, OMIM 171400.
Hereditary cancer-predisposing syndrome. Also called: Tumor predisposition; Hereditary neoplastic syndrome; Neoplastic Syndromes, Hereditary; Hereditary Cancer Syndrome. Identifiers: Orphanet 140162, MedGen C0027672, MeSH D009386, MONDO:0015356.
Multiple endocrine neoplasia, type 2 (MEN2). Identifiers: Orphanet 653, MedGen C4048306, MONDO:0019003. Disease mechanism: gain of function.

Allele frequency attached by ClinVar (database versions not stated): ESP Exome Variant Server 0.00008.

Submissions (5):

Labcorp Genetics (formerly Invitae), Labcorp
Classification: Uncertain significance for Multiple endocrine neoplasia, type 2. Last evaluated: 2025-12-05. Review status: criteria provided, single submitter. Criteria: Invitae Variant Classification Sherloc (09022015). Collection method: clinical testing. Allele origin: germline.
Comment: This sequence change replaces arginine, which is basic and polar, with proline, which is neutral and non-polar, at codon 418 of the RET protein (p.Arg418Pro). This variant is present in population databases (rs371731991, gnomAD 0.0009%). This variant has not been reported in the literature in individuals affected with RET-related conditions. ClinVar contains an entry for this variant (Variation ID: 219396). An algorithm developed to predict the effect of missense changes on protein structure and function (PolyPhen-2) suggests that this variant is likely to be disruptive. In summary, the available evidence is currently insufficient to determine the role of this variant in disease. Therefore, it has been classified as a Variant of Uncertain Significance.

Quest Diagnostics Nichols Institute San Juan Capistrano
Classification: Uncertain significance. Last evaluated: 2025-04-25. Review status: criteria provided, single submitter. Criteria: Quest Diagnostics criteria. Collection method: clinical testing. Allele origin: unknown.

All of Us Research Program, National Institutes of Health
Classification: Uncertain significance for Multiple endocrine neoplasia, type 2. Last evaluated: 2024-06-11. Review status: criteria provided, single submitter. Criteria: ACMG Guidelines, 2015. Collection method: clinical testing. Allele origin: germline. Inheritance: Autosomal dominant inheritance. Observed: 5 variant alleles, 5 heterozygotes.
Comment: This missense variant replaces arginine with proline at codon 418 of the RET protein. Computational prediction is inconclusive regarding the impact of this variant on protein structure and function (internally defined REVEL score threshold 0.5 < inconclusive < 0.7, PMID: 27666373). To our knowledge, functional studies have not been reported for this variant. This variant has not been reported in individuals affected with RET-related disorders in the literature. This variant has been identified in 1/249984 chromosomes in the general population by the Genome Aggregation Database (gnomAD). The available evidence is insufficient to determine the role of this variant in disease conclusively. Therefore, this variant is classified as a Variant of Uncertain Significance.

This study involves interpretation of variants in research participants for the purpose of population health screening. Participant phenotype was not available at the time of variant classification. Additional details can be found in publication PMID: 35346344, PMCID: PMC8962531

Ambry Genetics
Classification: Uncertain significance for Hereditary cancer-predisposing syndrome. Last evaluated: 2024-03-16. Review status: criteria provided, single submitter. Criteria: Ambry Variant Classification Scheme 2023. Collection method: clinical testing. Allele origin: germline.
Comment: The p.R418P variant (also known as c.1253G>C), located in coding exon 6 of the RET gene, results from a G to C substitution at nucleotide position 1253. The arginine at codon 418 is replaced by proline, an amino acid with dissimilar properties. This amino acid position is not well conserved in available vertebrate species. In addition, the in silico prediction for this alteration is inconclusive. Since supporting evidence is limited at this time, the clinical significance of this alteration remains unclear.

Fulgent Genetics
Classification: Uncertain significance for Hirschsprung disease, susceptibility to, 1; Familial medullary thyroid carcinoma; Multiple endocrine neoplasia type 2B; Pheochromocytoma; Multiple endocrine neoplasia type 2A. Last evaluated: 2021-12-17. Review status: criteria provided, single submitter. Criteria: ACMG Guidelines, 2015. Collection method: clinical testing. Allele origin: unknown.